The following is an entry in ClinVar:

ClinVar aggregate classification (germline): Uncertain significance. Review status: criteria provided, multiple submitters, no conflicts (2 of 4 stars). 2 submissions from 2 submitters: Uncertain significance (2). Last evaluated 2025-08-10.

Conditions:
Inborn genetic diseases. Identifiers: MedGen C0950123, MeSH D030342.
Psoriasis 2. Identifiers: MedGen C1864497, MONDO:0011269, OMIM 602723.
Pityriasis rubra pilaris (PRP). Also called: Pityriasis rubra pilaris--familial type. Identifiers: Orphanet 2897, MedGen C0032027, MONDO:0100017, OMIM 173200, MONDO:0008251.

Allele frequency attached by ClinVar (database versions not stated): gnomAD exomes below 0.00001 and 0.00001; TOPMed below 0.00001; ExAC 0.00001; gnomAD 0.00001; 1000 Genomes Project 30x 0.00016; 1000 Genomes Project 0.00020.
gnomAD v4.1: 12 of 1,614,076 alleles (0.00074%); highest among the groups gnomAD compares: Admixed American, 0.018%; no homozygotes.

Submissions (2):

Labcorp Genetics (formerly Invitae), Labcorp
Classification: Uncertain significance for Pityriasis rubra pilaris; Psoriasis 2. Last evaluated: 2025-08-10. Review status: criteria provided, single submitter. Criteria: Invitae Variant Classification Sherloc (09022015). Collection method: clinical testing. Allele origin: germline.
Comment: This sequence change replaces histidine, which is basic and polar, with asparagine, which is neutral and polar, at codon 914 of the CARD14 protein (p.His914Asn). This variant is not present in population databases (gnomAD no frequency). This variant has not been reported in the literature in individuals affected with CARD14-related conditions. ClinVar contains an entry for this variant (Variation ID: 964008). Invitae Evidence Modeling of protein sequence and biophysical properties (such as structural, functional, and spatial information, amino acid conservation, physicochemical variation, residue mobility, and thermodynamic stability) indicates that this missense variant is not expected to disrupt CARD14 protein function with a negative predictive value of 95%. In summary, the available evidence is currently insufficient to determine the role of this variant in disease. Therefore, it has been classified as a Variant of Uncertain Significance.

Ambry Genetics
Classification: Uncertain significance for Inborn genetic diseases. Last evaluated: 2021-09-15. Review status: criteria provided, single submitter. Criteria: Ambry Variant Classification Scheme 2023. Collection method: clinical testing. Allele origin: germline.

NM_001366385.1(CARD14):c.2740C>A (p.His914Asn)

Genes: SGSH (N-sulfoglucosamine sulfohydrolase; minus strand), CARD14 (caspase recruitment domain family member 14; plus strand). Cytogenetic location: 17q25.3.
Variant type: single nucleotide variant.
Coding change: c.2740C>A on transcript NM_001366385.1 (MANE Select); coding-DNA position 2740, C replaced by A.
Protein change: p.His914Asn; replaces histidine 914 with asparagine.
Molecular consequence: missense variant. On other transcripts: non-coding transcript variant (1).
Genome position (GRCh38, 1-based): chr17:80,207,018, C>A. VCF-style: chr17-80207018-C-A. GRCh37 (hg19) VCF-style: chr17-78180817-C-A.
Other names: c.2740C>A, p.His914Asn (NM_024110.4); c.2740C>A (NM_024110.3); short protein forms H914N.
Identifiers: ClinVar variation 964008 (VCV000964008.9), dbSNP rs199555156, ClinGen allele CA8817438.